The following is an entry in ClinVar:

NM_002439.5(MSH3):c.757G>A (p.Gly253Arg)

Gene: MSH3 (mutS homolog 3; plus strand). Cytogenetic location: 5q14.1.
Variant type: single nucleotide variant.
Coding change: c.757G>A on transcript NM_002439.5 (MANE Select); coding-DNA position 757, G replaced by A.
Protein change: p.Gly253Arg; replaces glycine 253 with arginine.
Molecular consequence: missense variant.
Genome position (GRCh38, 1-based): chr5:80,670,274, G>A. VCF-style: chr5-80670274-G-A. GRCh37 (hg19) VCF-style: chr5-79966093-G-A.
Other names: short protein forms G253R.
Identifiers: ClinVar variation 3707147 (VCV003707147.2).

ClinVar aggregate classification (germline): Uncertain significance (1 of 4 stars; one submission).

Submission:

Labcorp Genetics (formerly Invitae), Labcorp
Classification: Uncertain significance. Last evaluated: 2024-04-24. Review status: criteria provided, single submitter. Criteria: Invitae Variant Classification Sherloc (09022015). Collection method: clinical testing. Allele origin: germline.
Comment: This sequence change replaces glycine, which is neutral and non-polar, with arginine, which is basic and polar, at codon 253 of the MSH3 protein (p.Gly253Arg). This variant is not present in population databases (gnomAD no frequency). This variant has not been reported in the literature in individuals affected with MSH3-related conditions. An algorithm developed to predict the effect of missense changes on protein structure and function (PolyPhen-2) suggests that this variant is likely to be disruptive. In summary, the available evidence is currently insufficient to determine the role of this variant in disease. Therefore, it has been classified as a Variant of Uncertain Significance.